The following is an entry in ClinVar:

NM_004281.4(BAG3):c.827G>A (p.Arg276Gln)

Gene: BAG3 (BAG cochaperone 3; plus strand). Cytogenetic location: 10q26.11.
Variant type: single nucleotide variant.
Coding change: c.827G>A on transcript NM_004281.4 (MANE Select); coding-DNA position 827, G replaced by A.
Protein change: p.Arg276Gln; replaces arginine 276 with glutamine.
Molecular consequence: missense variant.
Genome position (GRCh38, 1-based): chr10:119,672,574, G>A. VCF-style: chr10-119672574-G-A. GRCh37 (hg19) VCF-style: chr10-121432086-G-A.
Other names: p.Arg276Gln; short protein forms R276Q.
Identifiers: ClinVar variation 570152 (VCV000570152.30), dbSNP rs372970842, ClinGen allele CA5716418.

ClinVar aggregate classification (germline): Conflicting classifications of pathogenicity. Review status: criteria provided, conflicting classifications (1 of 4 stars). 6 submissions from 6 submitters: Uncertain significance (4); Likely benign (2). Last evaluated 2025-10-22.

Conditions:
Cardiovascular phenotype. Identifiers: MedGen CN230736.
Dilated cardiomyopathy 1HH (CMD1HH). Identifiers: Orphanet 154, MedGen C3151293, MONDO:0013479, OMIM 613881.
Myofibrillar myopathy 6. Identifiers: Orphanet 199340, MedGen C2751831, MONDO:0013061, OMIM 612954.

Allele frequency attached by ClinVar (database versions not stated): gnomAD exomes 0.00004 and 0.00009; TOPMed 0.00005; gnomAD 0.00007; ESP Exome Variant Server 0.00008; ExAC 0.00012.
gnomAD v4.1: 69 of 1,613,958 alleles (0.0043%); highest among the groups gnomAD compares: Admixed American, 0.017%; 1 homozygote.

Submissions (6):

Labcorp Genetics (formerly Invitae), Labcorp
Classification: Uncertain significance for Dilated cardiomyopathy 1HH; Myofibrillar myopathy 6. Last evaluated: 2025-10-22. Review status: criteria provided, single submitter. Criteria: Invitae Variant Classification Sherloc (09022015). Collection method: clinical testing. Allele origin: germline.
Comment: This sequence change replaces arginine, which is basic and polar, with glutamine, which is neutral and polar, at codon 276 of the BAG3 protein (p.Arg276Gln). This variant is present in population databases (rs372970842, gnomAD 0.02%), and has an allele count higher than expected for a pathogenic variant. This variant has not been reported in the literature in individuals affected with BAG3-related conditions. ClinVar contains an entry for this variant (Variation ID: 570152). Invitae Evidence Modeling of protein sequence and biophysical properties (such as structural, functional, and spatial information, amino acid conservation, physicochemical variation, residue mobility, and thermodynamic stability) indicates that this missense variant is not expected to disrupt BAG3 protein function with a negative predictive value of 80%. In summary, the available evidence is currently insufficient to determine the role of this variant in disease. Therefore, it has been classified as a Variant of Uncertain Significance.

Mayo Clinic Laboratories, Mayo Clinic
Classification: Uncertain significance. Last evaluated: 2025-01-24. Review status: criteria provided, single submitter. Criteria: ACMG Guidelines, 2015. Collection method: clinical testing. Allele origin: germline. Observed: 1 variant allele.
Comment: BP4

CeGaT Center for Human Genetics Tuebingen
Classification: Likely benign. Last evaluated: 2024-07-01. Review status: criteria provided, single submitter. Criteria: CeGaT Center For Human Genetics Tuebingen Variant Classification Criteria Version 2. Collection method: clinical testing. Allele origin: germline. Affected: yes. Observed: 2 variant alleles.
Comment: BAG3: BP4

Ambry Genetics
Classification: Uncertain significance for Cardiovascular phenotype. Last evaluated: 2024-01-18. Review status: criteria provided, single submitter. Criteria: Ambry Variant Classification Scheme 2023. Collection method: clinical testing. Allele origin: germline.
Comment: The p.R276Q variant (also known as c.827G>A), located in coding exon 3 of the BAG3 gene, results from a G to A substitution at nucleotide position 827. The arginine at codon 276 is replaced by glutamine, an amino acid with highly similar properties. This amino acid position is well conserved in available vertebrate species. In addition, this alteration is predicted to be tolerated by in silico analysis. Based on the available evidence, the clinical significance of this alteration remains unclear.

Women's Health and Genetics/Laboratory Corporation of America, LabCorp
Classification: Likely benign. Last evaluated: 2023-07-05. Review status: criteria provided, single submitter. Criteria: LabCorp Variant Classification Summary - May 2015. Collection method: clinical testing. Allele origin: germline.
Comment: Variant summary: BAG3 c.827G>A (p.Arg276Gln) results in a conservative amino acid change in the encoded protein sequence. Three of five in-silico tools predict a benign effect of the variant on protein function. The variant allele was found at a frequency of 9.2e-05 in 250258 control chromosomes (gnomAD). The observed variant frequency is approximately 4-fold of the estimated maximal expected allele frequency for a pathogenic variant in BAG3 causing Cardiomyopathy phenotype (2.5e-05), suggesting that the variant is benign. c.827G>A has been reported in the literature in the homozygous state in an individual affected with an autosomal recessive inherited retinal disease without strong evidence for causality and with no reported cardiac phenotype (Van de Sompele_2019). Thus, this report does not provide unequivocal conclusions about association of the variant with Cardiomyopathy. To our knowledge, no experimental evidence demonstrating an impact on protein function has been reported. Two submitters have cited clinical-significance assessments for this variant to ClinVar after 2014 and both classified the variant as uncertain significance. Based on the evidence outlined above, the variant was classified as likely benign.

Blueprint Genetics
Classification: Uncertain significance. Last evaluated: 2023-06-21. Review status: criteria provided, single submitter. Criteria: ACMG Guidelines, 2015. Collection method: clinical testing. Allele origin: germline.

Literature cited by the submitters: PubMed 30377383 (cited by Women's Health and Genetics/Laboratory Corporation of America, LabCorp).